The following is an entry in ClinVar:

NM_130384.3(ATRIP):c.481A>G (p.Arg161Gly)

Genes: ATRIP (ATR interacting protein; plus strand), ATRIP-TREX1 (ATRIP-TREX1 readthrough; plus strand). Cytogenetic location: 3p21.31.
Variant type: single nucleotide variant.
Coding change: c.481A>G on transcript NM_130384.3 (MANE Select); coding-DNA position 481, A replaced by G.
Protein change: p.Arg161Gly; replaces arginine 161 with glycine.
Molecular consequence: missense variant. On other transcripts: non-coding transcript variant (1).
Genome position (GRCh38, 1-based): chr3:48,451,828, A>G. VCF-style: chr3-48451828-A-G. GRCh37 (hg19) VCF-style: chr3-48493234-A-G.
Other names: c.100A>G, p.Arg34Gly (NM_001271022.2); c.202A>G, p.Arg68Gly (NM_001271023.2); c.481A>G, p.Arg161Gly (NM_032166.4); short protein forms R161G, R68G, R34G.
Identifiers: ClinVar variation 4182382 (VCV004182382.1).

ClinVar aggregate classification (germline): Uncertain significance (1 of 4 stars; one submission).

gnomAD v4.1: 1 of 1,612,942 alleles (0.000062%); highest among the groups gnomAD compares: Non-Finnish European, 0.000085%; no homozygotes.

Submission:

Ambry Genetics
Classification: Uncertain significance. Last evaluated: 2025-08-08. Review status: criteria provided, single submitter. Criteria: Ambry Variant Classification Scheme 2023. Collection method: clinical testing. Allele origin: germline.
Comment: The p.R161G variant (also known as c.481A>G), located in coding exon 3 of the ATRIP gene, results from an A to G substitution at nucleotide position 481. The arginine at codon 161 is replaced by glycine, an amino acid with dissimilar properties. This amino acid position is conserved. In addition, the in silico prediction for this alteration is inconclusive. Based on the available evidence, the clinical significance of this variant remains unclear.